The following is an entry in ClinVar:

NM_020631.6(PLEKHG5):c.509C>A (p.Pro170Gln)

Gene: PLEKHG5 (pleckstrin homology and RhoGEF domain containing G5; minus strand). Cytogenetic location: 1p36.31.
Variant type: single nucleotide variant.
Coding change: c.509C>A on transcript NM_020631.6 (MANE Select); coding-DNA position 509, C replaced by A.
Protein change: p.Pro170Gln; replaces proline 170 with glutamine.
Molecular consequence: missense variant.
Genome position (GRCh38, 1-based): chr1:6,474,095, G>T on the plus strand (C>A on the coding strand, the complement: PLEKHG5 is on the minus strand). VCF-style: chr1-6474095-G-T. GRCh37 (hg19) VCF-style: chr1-6534155-G-T.
Other names: c.620C>A, p.Pro207Gln (NM_001042663.3, NM_001265592.2); c.509C>A, p.Pro170Gln (NM_001042664.2, NM_001042665.2, NM_001265594.3 and 1 more transcripts); c.716C>A, p.Pro239Gln (NM_001265593.2); short protein forms P239Q, P207Q, P170Q.
Identifiers: ClinVar variation 941048 (VCV000941048.10), dbSNP rs59117380, ClinGen allele CA338138684.

ClinVar aggregate classification (germline): Uncertain significance. Review status: criteria provided, multiple submitters, no conflicts (2 of 4 stars). 2 submissions from 2 submitters: Uncertain significance (2). Last evaluated 2023-08-08.

Conditions:
Neuronopathy, distal hereditary motor, autosomal recessive 4. Also called: Autosomal recessive lower motor neuron disease with childhood onset; NEUROPATHY, DISTAL HEREDITARY MOTOR, AUTOSOMAL RECESSIVE 4. Identifiers: Orphanet 206580, MedGen C1970211, MONDO:0012608, OMIM 611067.
Charcot-Marie-Tooth disease recessive intermediate C. Also called: CHARCOT-MARIE-TOOTH NEUROPATHY, RECESSIVE INTERMEDIATE C. Identifiers: Orphanet 369867, MedGen C3809309, MONDO:0014154, OMIM 615376.
Inborn genetic diseases. Identifiers: MedGen C0950123, MeSH D030342.

gnomAD v4.1: 2 of 1,613,210 alleles (0.00012%); highest among the groups gnomAD compares: Admixed American, 0.0017%; no homozygotes.

Submissions (2):

Ambry Genetics
Classification: Uncertain significance for Inborn genetic diseases. Last evaluated: 2023-08-08. Review status: criteria provided, single submitter. Criteria: Ambry Variant Classification Scheme 2023. Collection method: clinical testing. Allele origin: germline.

Labcorp Genetics (formerly Invitae), Labcorp
Classification: Uncertain significance for Neuronopathy, distal hereditary motor, autosomal recessive 4; Charcot-Marie-Tooth disease recessive intermediate C. Last evaluated: 2023-06-16. Review status: criteria provided, single submitter. Criteria: Invitae Variant Classification Sherloc (09022015). Collection method: clinical testing. Allele origin: germline.
Comment: An algorithm developed to predict the effect of missense changes on protein structure and function (PolyPhen-2) suggests that this variant is likely to be disruptive. ClinVar contains an entry for this variant (Variation ID: 941048). This variant has not been reported in the literature in individuals affected with PLEKHG5-related conditions. The frequency data for this variant in the population databases is considered unreliable, as metrics indicate poor data quality at this position in the gnomAD database. This sequence change replaces proline, which is neutral and non-polar, with glutamine, which is neutral and polar, at codon 170 of the PLEKHG5 protein (p.Pro170Gln). Algorithms developed to predict the effect of sequence changes on RNA splicing suggest that this variant may create or strengthen a splice site. In summary, the available evidence is currently insufficient to determine the role of this variant in disease. Therefore, it has been classified as a Variant of Uncertain Significance.